The following is an entry in ClinVar:

NM_053025.4(MYLK):c.280C>G (p.His94Asp)

Gene: MYLK (myosin light chain kinase; minus strand). Cytogenetic location: 3q21.1.
Variant type: single nucleotide variant.
Coding change: c.280C>G on transcript NM_053025.4 (MANE Select); coding-DNA position 280, C replaced by G.
Protein change: p.His94Asp; replaces histidine 94 with aspartic acid.
Molecular consequence: missense variant. On other transcripts: intron variant (1).
Genome position (GRCh38, 1-based): chr3:123,752,424, G>C on the plus strand (C>G on the coding strand, the complement: MYLK is on the minus strand). VCF-style: chr3-123752424-G-C. GRCh37 (hg19) VCF-style: chr3-123471271-G-C.
Other names: c.280C>G, p.His94Asp (NM_053026.4, NM_053027.4, NM_053028.4); c.-155-12423C>G (NM_001321309.2); short protein forms H94D.
Identifiers: ClinVar variation 3228904 (VCV003228904.1), dbSNP rs140765516, ClinGen allele CA069267.

ClinVar aggregate classification (germline): Uncertain significance (1 of 4 stars; one submission).

Conditions:
Familial thoracic aortic aneurysm and aortic dissection (TAAD). Also called: Thoracic aortic aneurysms and dissections. Identifiers: Orphanet 91387, MedGen C4707243, MONDO:0019625.

Allele frequency attached by ClinVar (database versions not stated): TOPMed below 0.00001; ExAC 0.00001; ESP Exome Variant Server 0.00008.

Submission:

Ambry Genetics
Classification: Uncertain significance for Familial thoracic aortic aneurysm and aortic dissection. Last evaluated: 2024-03-08. Review status: criteria provided, single submitter. Criteria: Ambry Variant Classification Scheme 2023. Collection method: clinical testing. Allele origin: germline.
Comment: The p.H94D variant (also known as c.280C>G), located in coding exon 2 of the MYLK gene, results from a C to G substitution at nucleotide position 280. The histidine at codon 94 is replaced by aspartic acid, an amino acid with similar properties. This amino acid position is conserved. In addition, this alteration is predicted to be tolerated by in silico analysis. Based on the available evidence, the clinical significance of this alteration remains unclear.